The following is an entry in ClinVar:

ClinVar aggregate classification (germline): Conflicting classifications of pathogenicity. Review status: criteria provided, conflicting classifications (1 of 4 stars). 2 submissions from 2 submitters: Uncertain significance (1); Benign (1). Last evaluated 2022-01-14.

Conditions:
Metachromatic leukodystrophy (MLD). Also called: CEREBROSIDE SULFATASE DEFICIENCY; Arylsulfatase A Deficiency; METACHROMATIC LEUKOENCEPHALOPATHY; Cerebral sclerosis diffuse metachromatic form; SULFATIDE LIPIDOSIS; ARSA DEFICIENCY. Identifiers: Orphanet 512, MedGen C0023522, MONDO:0018868, OMIM 250100.

Allele frequency attached by ClinVar (database versions not stated): gnomAD exomes below 0.00001 and 0.00001; TOPMed below 0.00001; ExAC 0.00001.
gnomAD v4.1: 4 of 1,613,486 alleles (0.00025%); highest among the groups gnomAD compares: Non-Finnish European, 0.00034%; no homozygotes.

Submissions (2):

Labcorp Genetics (formerly Invitae), Labcorp
Classification: Uncertain significance for Metachromatic leukodystrophy. Last evaluated: 2022-01-14. Review status: criteria provided, single submitter. Criteria: Invitae Variant Classification Sherloc (09022015). Collection method: clinical testing. Allele origin: germline.
Comment: This sequence change replaces methionine, which is neutral and non-polar, with isoleucine, which is neutral and non-polar, at codon 211 of the ARSA protein (p.Met211Ile). This variant is present in population databases (rs773059458, gnomAD 0.0009%). This variant has not been reported in the literature in individuals affected with ARSA-related conditions. ClinVar contains an entry for this variant (Variation ID: 1232405). Algorithms developed to predict the effect of missense changes on protein structure and function (SIFT, PolyPhen-2, Align-GVGD) all suggest that this variant is likely to be tolerated. Algorithms developed to predict the effect of sequence changes on RNA splicing suggest that this variant may create or strengthen a splice site. In summary, the available evidence is currently insufficient to determine the role of this variant in disease. Therefore, it has been classified as a Variant of Uncertain Significance.

GeneDx
Classification: Benign. Last evaluated: 2015-03-03. Review status: criteria provided, single submitter. Criteria: GeneDx Variant Classification Process June 2021. Collection method: clinical testing. Allele origin: germline. Affected: yes.

NM_000487.6(ARSA):c.633G>A (p.Met211Ile)

Gene: ARSA (arylsulfatase A; minus strand). Cytogenetic location: 22q13.33.
Variant type: single nucleotide variant.
Coding change: c.633G>A on transcript NM_000487.6 (MANE Select); coding-DNA position 633, G replaced by A.
Protein change: p.Met211Ile; replaces methionine 211 with isoleucine.
Molecular consequence: missense variant.
Genome position (GRCh38, 1-based): chr22:50,626,885, C>T on the plus strand (G>A on the coding strand, the complement: ARSA is on the minus strand). VCF-style: chr22-50626885-C-T. GRCh37 (hg19) VCF-style: chr22-51065313-C-T.
Other names: c.633G>A, p.Met211Ile (NM_001085425.3, NM_001085426.3, NM_001085427.3); c.375G>A, p.Met125Ile (NM_001085428.3, NM_001362782.2); short protein forms M125I, M211I.
Identifiers: ClinVar variation 1232405 (VCV001232405.10), dbSNP rs773059458, ClinGen allele CA10324961.